The following is an entry in ClinVar:

NM_001036.6(RYR3):c.7204G>A (p.Val2402Ile)

Gene: RYR3 (ryanodine receptor 3; plus strand). Cytogenetic location: 15q14.
Variant type: single nucleotide variant.
Coding change: c.7204G>A on transcript NM_001036.6 (MANE Select); coding-DNA position 7204, G replaced by A.
Protein change: p.Val2402Ile; replaces valine 2402 with isoleucine.
Molecular consequence: missense variant.
Genome position (GRCh38, 1-based): chr15:33,731,474, G>A. VCF-style: chr15-33731474-G-A. GRCh37 (hg19) VCF-style: chr15-34023675-G-A.
Other names: c.7204G>A, p.Val2402Ile (NM_001243996.4); short protein forms V2402I.
Identifiers: ClinVar variation 938445 (VCV000938445.9), dbSNP rs1473088041, ClinGen allele CA391578945.

ClinVar aggregate classification (germline): Uncertain significance (1 of 4 stars; one submission).

Conditions:
Epileptic encephalopathy. Identifiers: MedGen C0543888, HP:0200134.

Allele frequency attached by ClinVar (database versions not stated): gnomAD exomes below 0.00001.
gnomAD v4.1: 2 of 1,607,528 alleles (0.00012%); highest among the groups gnomAD compares: Non-Finnish European, 0.00017%; no homozygotes.

Submission:

Labcorp Genetics (formerly Invitae), Labcorp
Classification: Uncertain significance for Epileptic encephalopathy. Last evaluated: 2024-04-05. Review status: criteria provided, single submitter. Criteria: Invitae Variant Classification Sherloc (09022015). Collection method: clinical testing. Allele origin: germline.
Comment: This sequence change replaces valine, which is neutral and non-polar, with isoleucine, which is neutral and non-polar, at codon 2402 of the RYR3 protein (p.Val2402Ile). This variant is not present in population databases (gnomAD no frequency). This variant has not been reported in the literature in individuals affected with RYR3-related conditions. ClinVar contains an entry for this variant (Variation ID: 938445). An algorithm developed to predict the effect of missense changes on protein structure and function (PolyPhen-2) suggests that this variant is likely to be tolerated. In summary, the available evidence is currently insufficient to determine the role of this variant in disease. Therefore, it has been classified as a Variant of Uncertain Significance.